The following is an entry in ClinVar:

NM_004859.4(CLTC):c.353C>T (p.Thr118Met)

Gene: CLTC (clathrin heavy chain; plus strand). Cytogenetic location: 17q23.1.
Variant type: single nucleotide variant.
Coding change: c.353C>T on transcript NM_004859.4 (MANE Select); coding-DNA position 353, C replaced by T.
Protein change: p.Thr118Met; replaces threonine 118 with methionine.
Molecular consequence: missense variant.
Genome position (GRCh38, 1-based): chr17:59,647,500, C>T. VCF-style: chr17-59647500-C-T. GRCh37 (hg19) VCF-style: chr17-57724861-C-T.
Other names: c.365C>T, p.Thr122Met (NM_001288653.2); short protein forms T118M, T122M.
Identifiers: ClinVar variation 2629897 (VCV002629897.1), dbSNP rs756221208, ClinGen allele CA8681050.
Genomic context (GRCh38, chr17:59,647,500, plus strand): 5'-AAATGAAGGCTCATACCATGACTGATGATGTCACCTTTTGGAAATGGATCTCTTTGAATA[C>T]GGTTGCTCTTGTTACGGATAATGCAGTTTATCACTGGAGTATGGAAGGAGAGTCTCAGCC-3'
Protein context (NP_004850.1, residues 108-128): VTFWKWISLN[Thr118Met]VALVTDNAVY

ClinVar aggregate classification (germline): Uncertain significance (1 of 4 stars; one submission).

Conditions:
CLTC-related disorder. Also called: CLTC-related condition.

Allele frequency attached by ClinVar (database versions not stated): gnomAD exomes below 0.00001; ExAC 0.00001.

Submission:

PreventionGenetics, part of Exact Sciences
Classification: Uncertain significance for CLTC-related condition. Last evaluated: 2023-02-01. Review status: criteria provided, single submitter. Criteria: ACMG Guidelines, 2015. Collection method: clinical testing. Allele origin: germline.
Comment: The CLTC c.365C>T variant is predicted to result in the amino acid substitution p.Thr122Met. To our knowledge, this variant has not been reported in the literature. This variant is reported in 0.00088% of alleles in individuals of European (Non-Finnish) descent in gnomAD. At this time, the clinical significance of this variant is uncertain due to the absence of conclusive functional and genetic evidence.